The following is an entry in ClinVar:

ClinVar aggregate classification (germline): Conflicting classifications of pathogenicity. Review status: criteria provided, conflicting classifications (1 of 4 stars). 4 submissions from 4 submitters: Uncertain significance (1); Likely benign (3). Last evaluated 2026-01-13.

Conditions:
Inborn genetic diseases. Identifiers: MedGen C0950123, MeSH D030342.
Mucopolysaccharidosis, MPS-II (MPS2). Also called: Attenuated MPS (subtype; formerly known as mild MPS II); Severe MPS II; I2S deficiency; MPS 2; Hunter Syndrome; IDURONATE 2-SULFATASE DEFICIENCY. Identifiers: Orphanet 580, Orphanet 79388, MedGen C0026705, MONDO:0010674, OMIM 309900.

Allele frequency attached by ClinVar (database versions not stated): ExAC 0.00002; gnomAD 0.00002.
gnomAD v4.1: 35 of 1,209,388 alleles (0.0029%); highest among the groups gnomAD compares: Non-Finnish European, 0.0036%; no homozygotes.

Submissions (4):

Labcorp Genetics (formerly Invitae), Labcorp
Classification: Likely benign for Mucopolysaccharidosis, MPS-II. Last evaluated: 2026-01-13. Review status: criteria provided, single submitter. Criteria: Invitae Variant Classification Sherloc (09022015). Collection method: clinical testing. Allele origin: germline.

Women's Health and Genetics/Laboratory Corporation of America, LabCorp
Classification: Likely benign. Last evaluated: 2025-07-25. Review status: criteria provided, single submitter. Criteria: LabCorp Variant Classification Summary - May 2015. Collection method: clinical testing. Allele origin: germline.
Comment: Variant summary: IDS c.1222C>T (p.Pro408Ser) results in a non-conservative amino acid change in the encoded protein sequence. Algorithms developed to predict the effect of missense changes on protein structure and function all suggest that this variant is likely to be disruptive. The variant allele was found at a frequency of 3.8e-05 in 183092 control chromosomes (gnomAD v2). A total of 10 hemizygotes of this variant were reported in gnomAD v4. The available data on variant occurrences in the general population are insufficient to allow any conclusion about variant significance. c.1222C>T has not been observed in individual(s) affected with Mucopolysaccharidosis Type II (Hunter Syndrome). In a family with genetic generalized epilepsy, this variant was reported as a VUS change, co-occurring with a pathogenic variant in GABRA3 (Niturad_2017). These report(s) do not provide unequivocal conclusions about association of the variant with Mucopolysaccharidosis Type II (Hunter Syndrome). To our knowledge, no experimental evidence demonstrating an impact on protein function has been reported. The following publication has been ascertained in the context of this evaluation (PMID: 29053855).ClinVar contains an entry for this variant (Variation ID: 2051260). Based on the evidence outlined above, the variant was classified as likely benign.

CeGaT Center for Human Genetics Tuebingen
Classification: Likely benign. Last evaluated: 2025-07-01. Review status: criteria provided, single submitter. Criteria: CeGaT Center For Human Genetics Tuebingen Variant Classification Criteria Version 2. Collection method: clinical testing. Allele origin: germline. Affected: yes. Observed: 1 variant allele.
Comment: IDS: BS2

Ambry Genetics
Classification: Uncertain significance for Inborn genetic diseases. Last evaluated: 2016-10-11. Review status: criteria provided, single submitter. Criteria: Ambry Variant Classification Scheme 2023. Collection method: clinical testing. Allele origin: germline.
Comment: The p.P408S variant (also known as c.1222C>T), located in coding exon 9 of the IDS gene, results from a C to T substitution at nucleotide position 1222. The proline at codon 408 is replaced by serine, an amino acid with similar properties. This variant was not reported in population based cohorts in the following databases: Database of Single Nucleotide Polymorphisms (dbSNP), NHLBI Exome Sequencing Project (ESP), and 1000 Genomes Project. In the ESP, this variant was not observed in 6503 samples with coverage at this position. This amino acid position is highly conserved in mammalian species. In addition, this alteration is predicted to be possibly damaging and tolerated by PolyPhen and SIFT in silico analyses, respectively. Since supporting evidence is limited at this time, the clinical significance of this alteration remains unclear.

Literature cited by the submitters: PubMed 29053855 (cited by Women's Health and Genetics/Laboratory Corporation of America, LabCorp).

NM_000202.8(IDS):c.1222C>T (p.Pro408Ser)

Gene: IDS (iduronate 2-sulfatase; minus strand). Cytogenetic location: Xq28.
Variant type: single nucleotide variant.
Coding change: c.1222C>T on transcript NM_000202.8 (MANE Select); coding-DNA position 1222, C replaced by T.
Protein change: p.Pro408Ser; replaces proline 408 with serine.
Molecular consequence: missense variant.
Genome position (GRCh38, 1-based): chrX:149,483,177, G>A on the plus strand (C>T on the coding strand, the complement: IDS is on the minus strand). VCF-style: chrX-149483177-G-A. GRCh37 (hg19) VCF-style: chrX-148564708-G-A.
Other names: c.1222C>T (NM_000202.5); c.952C>T, p.Pro318Ser (NM_001166550.4); short protein forms P408S, P318S.
Identifiers: ClinVar variation 2051260 (VCV002051260.14), dbSNP rs782657740, ClinGen allele CA10537475.